The following is an entry in ClinVar:

NM_177438.3(DICER1):c.3076A>G (p.Ser1026Gly)

Gene: DICER1 (dicer 1, ribonuclease III; minus strand). Cytogenetic location: 14q32.13.
Variant type: single nucleotide variant.
Coding change: c.3076A>G on transcript NM_177438.3 (MANE Select); coding-DNA position 3076, A replaced by G.
Protein change: p.Ser1026Gly; replaces serine 1026 with glycine.
Molecular consequence: missense variant.
Genome position (GRCh38, 1-based): chr14:95,105,695, T>C on the plus strand (A>G on the coding strand, the complement: DICER1 is on the minus strand). VCF-style: chr14-95105695-T-C. GRCh37 (hg19) VCF-style: chr14-95572032-T-C.
Other names: c.3076A>G, p.Ser1026Gly (NM_001195573.1, NM_001271282.3, NM_001291628.2 and 1 more transcripts); short protein forms S1026G.
Identifiers: ClinVar variation 579765 (VCV000579765.12), dbSNP rs763715930, ClinGen allele CA7331125.

ClinVar aggregate classification (germline): Uncertain significance. Review status: criteria provided, multiple submitters, no conflicts (2 of 4 stars). 2 submissions from 2 submitters: Uncertain significance (2). Last evaluated 2022-11-01.

Conditions:
Hereditary cancer-predisposing syndrome. Also called: Hereditary neoplastic syndrome; Tumor predisposition; Hereditary Cancer Syndrome; Neoplastic Syndromes, Hereditary. Identifiers: Orphanet 140162, MedGen C0027672, MeSH D009386, MONDO:0015356.
DICER1-related tumor predisposition. Also called: DICER1 syndrome; DICER1-related pleuropulmonary blastoma cancer predisposition syndrome. Identifiers: Orphanet 284343, MedGen C3839822, MONDO:0100216.

Allele frequency attached by ClinVar (database versions not stated): gnomAD exomes below 0.00001; ExAC 0.00001.
gnomAD v4.1: 2 of 1,612,888 alleles (0.00012%); highest among the groups gnomAD compares: Non-Finnish European, 0.00017%; no homozygotes.

Submissions (2):

Ambry Genetics
Classification: Uncertain significance for Hereditary cancer-predisposing syndrome. Last evaluated: 2022-11-01. Review status: criteria provided, single submitter. Criteria: Ambry Variant Classification Scheme 2023. Collection method: clinical testing. Allele origin: germline.
Comment: The p.S1026G variant (also known as c.3076A>G), located in coding exon 18 of the DICER1 gene, results from an A to G substitution at nucleotide position 3076. The serine at codon 1026 is replaced by glycine, an amino acid with similar properties. This amino acid position is highly conserved in available vertebrate species. In addition, the in silico prediction for this alteration is inconclusive. Since supporting evidence is limited at this time, the clinical significance of this alteration remains unclear.

Labcorp Genetics (formerly Invitae), Labcorp
Classification: Uncertain significance for DICER1-related tumor predisposition. Last evaluated: 2022-10-25. Review status: criteria provided, single submitter. Criteria: Invitae Variant Classification Sherloc (09022015). Collection method: clinical testing. Allele origin: germline.
Comment: In summary, the available evidence is currently insufficient to determine the role of this variant in disease. Therefore, it has been classified as a Variant of Uncertain Significance. Advanced modeling of protein sequence and biophysical properties (such as structural, functional, and spatial information, amino acid conservation, physicochemical variation, residue mobility, and thermodynamic stability) performed at Invitae indicates that this missense variant is not expected to disrupt DICER1 protein function. ClinVar contains an entry for this variant (Variation ID: 579765). This variant has not been reported in the literature in individuals affected with DICER1-related conditions. This variant is present in population databases (rs763715930, gnomAD 0.0009%). This sequence change replaces serine, which is neutral and polar, with glycine, which is neutral and non-polar, at codon 1026 of the DICER1 protein (p.Ser1026Gly).